The following is an entry in ClinVar:

NM_000875.5(IGF1R):c.3759dup (p.Lys1254fs)

Gene: IGF1R (insulin like growth factor 1 receptor; plus strand). Cytogenetic location: 15q26.3.
Variant type: Duplication.
Coding change: c.3759dup on transcript NM_000875.5 (MANE Select); coding-DNA position 3759, one base duplicated (C; older notation c.3759dupC).
Protein change: p.Lys1254fs; shifts the reading frame from lysine 1254.
Molecular consequence: frameshift variant.
Genome position (GRCh38, 1-based): chr15:98,957,097, C duplicated; the last of 4 consecutive C bases (chr15:98,957,094-98,957,097); duplicating any one gives the same sequence. VCF-style (leftmost placement, unchanged base first): chr15-98957093-A-AC. GRCh37 (hg19) VCF-style: chr15-99500322-A-AC.
Other names: c.3756dup, p.Lys1253fs (NM_001291858.2); short protein forms K1253fs, K1254fs.
Identifiers: ClinVar variation 4886284 (VCV004886284.2).

ClinVar aggregate classification (germline): Uncertain significance (1 of 4 stars; one submission).

Submission:

Dasa
Classification: Uncertain significance. Last evaluated: 2025-07-06. Review status: criteria provided, single submitter. Criteria: DASA Assertion Criteria. Collection method: clinical testing. Allele origin: germline.
Comment: NM_000875.5(IGF1R):c.3759dup (p.Lys1254Glnfs*120) is a frameshift variant in IGF1R predicted to alter the reading frame and introduce a premature termination codon and is predicted to result in an absent or altered protein product. This variant is absent from population databases. The currently available literature and clinical evidence are not sufficient to establish a definitive association between this variant and the reported condition. Therefore, this variant is classified as a variant of uncertain significance.